The following is an entry in ClinVar:

ClinVar aggregate classification (germline): Likely benign. Review status: criteria provided, multiple submitters, no conflicts (2 of 4 stars). 4 submissions from 4 submitters: Likely benign (3). 1 of the submissions does not count toward it. Last evaluated 2026-02-03.

Conditions:
Hypertrophic cardiomyopathy 11. Also called: ACTC1-Related Familial Hypertrophic Cardiomyopathy. Identifiers: MedGen C2677506, MONDO:0012799, OMIM 612098.
Dilated cardiomyopathy 1R (CMD1R). Identifiers: Orphanet 154, Orphanet 54260, MedGen C3150681, MONDO:0013261, OMIM 613424.
Atrial septal defect 5 (ASD5). Identifiers: Orphanet 1478, MedGen C2748552, MONDO:0013011, OMIM 612794.
ACTC1-related disorder. Also called: ACTC1-related condition.

Submissions (4):

Labcorp Genetics (formerly Invitae), Labcorp
Classification: Likely benign for Dilated cardiomyopathy 1R; Hypertrophic cardiomyopathy 11; Atrial septal defect 5. Last evaluated: 2026-02-03. Review status: criteria provided, single submitter. Criteria: Invitae Variant Classification Sherloc (09022015). Collection method: clinical testing. Allele origin: germline.

Women's Health and Genetics/Laboratory Corporation of America, LabCorp
Classification: Likely benign. Last evaluated: 2025-12-17. Review status: criteria provided, single submitter. Criteria: LabCorp Variant Classification Summary - May 2015. Collection method: clinical testing. Allele origin: germline.
Comment: Variant summary: ACTC1 c.809-22_809-13dup10 alters a nucleotide located at a position not widely known to affect splicing. Consensus agreement among computation tools predict no significant impact on normal splicing. However, these predictions have yet to be confirmed by functional studies. The variant was absent in 106928 control chromosomes. The available data on variant occurrences in the general population are insufficient to allow any conclusion about variant significance. To our knowledge, no occurrence of c.809-22_809-13dup10 in individuals affected with ACTC1-related conditions and no experimental evidence demonstrating its impact on protein function have been reported. ClinVar contains an entry for this variant (Variation ID: 1584096). Based on the evidence outlined above, the variant was classified as likely benign.

Blueprint Genetics
Classification: Likely benign. Last evaluated: 2024-11-26. Review status: criteria provided, single submitter. Criteria: ACMG Guidelines, 2015. Collection method: clinical testing. Allele origin: germline.

PreventionGenetics, part of Exact Sciences
Classification: Likely benign for ACTC1-related condition. Last evaluated: 2021-09-27. Review status: no assertion criteria provided. Collection method: clinical testing. Allele origin: germline. Not counted in ClinVar's aggregate classification.
Comment: This variant is classified as likely benign based on ACMG/AMP sequence variant interpretation guidelines (Richards et al. 2015 PMID: 25741868, with internal and published modifications).

NM_005159.5(ACTC1):c.809-58TG[28]

Genes: ACTC1 (actin alpha cardiac muscle 1; minus strand), GJD2-DT (GJD2 divergent transcript; plus strand). Cytogenetic location: 15q14.
Variant type: Microsatellite.
Coding change: c.809-58TG[28] on transcript NM_005159.5 (MANE Select); 28 copies in a row of the 2-base unit TG starting at c.809-58; the reference has 23 copies in a row; five copies, 10 bases duplicated.
Molecular consequence: intron variant.
Genome position (GRCh38, 1-based): chr15:34,791,308-34,791,317, CACACACACA duplicated on the plus strand (TGTGTGTGTG on the coding strand, the reverse complement: ACTC1 is on the minus strand); duplicating any 10 consecutive bases within chr15:34,791,308-34,791,353 gives the same sequence; the position shown is the placement nearest the transcript's 3' end. VCF-style (leftmost placement, unchanged base first): chr15-34791307-T-TCACACACACA. GRCh37 (hg19) VCF-style: chr15-35083508-T-TCACACACACA.
Other names: c.809-22_809-13dup10 (NM_005159.5).
Identifiers: ClinVar variation 1584096 (VCV001584096.12), dbSNP rs59431308, ClinGen allele CA712279189.